The following is an entry in ClinVar:

NM_020297.4(ABCC9):c.2020-2A>T

Gene: ABCC9 (ATP binding cassette subfamily C member 9; minus strand). Cytogenetic location: 12p12.1.
Variant type: single nucleotide variant.
Coding change: c.2020-2A>T on transcript NM_020297.4 (MANE Select); the canonical splice acceptor site of the intron before coding-DNA position 2020, A replaced by T.
Molecular consequence: splice acceptor variant.
Genome position (GRCh38, 1-based): chr12:21,875,728, T>A on the plus strand (A>T on the coding strand, the complement: ABCC9 is on the minus strand). VCF-style: chr12-21875728-T-A. GRCh37 (hg19) VCF-style: chr12-22028662-T-A.
Other names: c.1156-2A>T (NM_001377274.1); c.2020-2A>T (NM_005691.4, NM_001377273.1).
Identifiers: ClinVar variation 3224913 (VCV003224913.1), dbSNP rs2541364662, ClinGen allele CA384134490.

ClinVar aggregate classification (germline): Uncertain significance (1 of 4 stars; one submission).

Conditions:
Cardiovascular phenotype. Identifiers: MedGen CN230736.

Submission:

Ambry Genetics
Classification: Uncertain significance for Cardiovascular phenotype. Last evaluated: 2024-02-05. Review status: criteria provided, single submitter. Criteria: Ambry Variant Classification Scheme 2023. Collection method: clinical testing. Allele origin: germline.
Comment: The c.2020-2A>T intronic variant results from an A to T substitution two nucleotides before coding exon 15 in the ABCC9 gene. This nucleotide position is highly conserved in available vertebrate species. In silico splice site analysis predicts that this alteration will weaken the native splice acceptor site. Alterations that disrupt the canonical splice site are expected to cause aberrant splicing, resulting in an abnormal protein or a transcript that is subject to nonsense-mediated mRNA decay. However, loss of function of ABCC9 has not been established as a mechanism of disease. Based on the available evidence, the clinical significance of this alteration remains unclear.